The following is an entry in ClinVar:

ClinVar aggregate classification (germline): Conflicting classifications of pathogenicity. Review status: criteria provided, conflicting classifications (1 of 4 stars). 4 submissions from 4 submitters: Uncertain significance (2); Likely benign (1). 1 of the submissions does not count toward it. Last evaluated 2025-09-02.

Conditions:
Retinal dystrophy. Also called: Inherited retinal dystrophy. Identifiers: Orphanet 71862, MedGen C0854723, MeSH D058499, MONDO:0019118, HP:0000556.
Retinitis pigmentosa 25 (RP25). Identifiers: Orphanet 791, MedGen C1864446, MONDO:0011272, OMIM 602772.
Retinitis pigmentosa (RP). Identifiers: Orphanet 791, MedGen C0035334, MeSH D012174, MONDO:0019200, OMIM 268000. Inheritance: Autosomal dominant, autosomal recessive and X linked inheritance.

Allele frequency attached by ClinVar (database versions not stated): TOPMed 0.00007.
gnomAD v4.1: 24 of 1,551,150 alleles (0.0015%); highest among the groups gnomAD compares: East Asian, 0.054%; no homozygotes.

Submissions (4):

Labcorp Genetics (formerly Invitae), Labcorp
Classification: Uncertain significance. Last evaluated: 2025-09-02. Review status: criteria provided, single submitter. Criteria: Invitae Variant Classification Sherloc (09022015). Collection method: clinical testing. Allele origin: germline.
Comment: This sequence change replaces alanine, which is neutral and non-polar, with serine, which is neutral and polar, at codon 1465 of the EYS protein (p.Ala1465Ser). This variant is present in population databases (no rsID available, gnomAD 0.008%). This variant has not been reported in the literature in individuals affected with EYS-related conditions. ClinVar contains an entry for this variant (Variation ID: 842986). Invitae Evidence Modeling of protein sequence and biophysical properties (such as structural, functional, and spatial information, amino acid conservation, physicochemical variation, residue mobility, and thermodynamic stability) indicates that this missense variant is not expected to disrupt EYS protein function with a negative predictive value of 80%. In summary, the available evidence is currently insufficient to determine the role of this variant in disease. Therefore, it has been classified as a Variant of Uncertain Significance.

Dept Of Ophthalmology, Nagoya University
Classification: Likely benign for Retinal dystrophy. Last evaluated: 2023-10-01. Review status: criteria provided, single submitter. Criteria: Submitter's publication. Collection method: research. Allele origin: germline. Affected: yes.

Illumina Laboratory Services, Illumina
Classification: Uncertain significance for Retinitis pigmentosa. Last evaluated: 2018-01-13. Review status: criteria provided, single submitter. Criteria: ICSL Variant Classification Criteria 13 December 2019. Collection method: clinical testing. Allele origin: germline.

Natera, Inc.
Classification: Uncertain significance for Retinitis pigmentosa type 25. Last evaluated: 2020-02-13. Review status: no assertion criteria provided. Collection method: clinical testing. Allele origin: germline. Not counted in ClinVar's aggregate classification.

NM_001142800.2(EYS):c.4393G>T (p.Ala1465Ser)

Gene: EYS (EGF-like photoreceptor maintenance factor; minus strand). Cytogenetic location: 6q12.
Variant type: single nucleotide variant.
Coding change: c.4393G>T on transcript NM_001142800.2 (MANE Select); coding-DNA position 4393, G replaced by T.
Protein change: p.Ala1465Ser; replaces alanine 1465 with serine.
Molecular consequence: missense variant.
Genome position (GRCh38, 1-based): chr6:64,591,474, C>A on the plus strand (G>T on the coding strand, the complement: EYS is on the minus strand). VCF-style: chr6-64591474-C-A. GRCh37 (hg19) VCF-style: chr6-65301367-C-A.
Other names: c.4393G>T, p.Ala1465Ser (NM_001292009.2); short protein forms A1465S.
Identifiers: ClinVar variation 842986 (VCV000842986.12), dbSNP rs747921119, ClinGen allele CA364783427.